The following is an entry in ClinVar:

NM_002693.3(POLG):c.1491G>C (p.Gln497His)

Gene: POLG (DNA polymerase gamma, catalytic subunit; minus strand). Cytogenetic location: 15q26.1.
Variant type: single nucleotide variant.
Coding change: c.1491G>C on transcript NM_002693.3 (MANE Select); coding-DNA position 1491, G replaced by C.
Protein change: p.Gln497His; replaces glutamine 497 with histidine.
Molecular consequence: missense variant.
Genome position (GRCh38, 1-based): chr15:89,327,006, C>G on the plus strand (G>C on the coding strand, the complement: POLG is on the minus strand). VCF-style: chr15-89327006-C-G. GRCh37 (hg19) VCF-style: chr15-89870237-C-G.
Other names: p.Q497H:CAG>CAC; c.1491G>C, p.Gln497His (NM_001126131.2); short protein forms Q497H.
Identifiers: ClinVar variation 13510 (VCV000013510.22), dbSNP rs121918052, ClinGen allele CA123152.
Genomic context (GRCh38, chr15:89,327,006, plus strand): 5'-CCCCTCGATGGGCAACTTGCTGGCTGTGGCTGGTTCCTTCTTCACCTTCTTAGCTTTCTT[C>G]TGCTTAAATTCTTGCAGGTCCCACTCCAGGTCCCAGAGCCAGGGGTCTTCTTTGTACCTA-3'
Protein context (NP_002684.1, residues 487-507): DLEWDLQEFK[Gln497His]KKAKKVKKEP

ClinVar aggregate classification (germline): Uncertain significance. Review status: criteria provided, multiple submitters, no conflicts (2 of 4 stars). 9 submissions from 9 submitters: Uncertain significance (7). 2 of the submissions do not count toward it. Last evaluated 2026-01-09.

Conditions:
Sensory ataxic neuropathy, dysarthria, and ophthalmoparesis (SANDO). Also called: Epilepsy, progressive myoclonic, type 5; Sensory ataxic neuropathy-dysarthria-ophthalmoparesis syndrome; SENSORY ATAXIC NEUROPATHY WITH MITOCHONDRIAL DNA DELETIONS, AUTOSOMAL RECESSIVE; Ataxia Neuropathy Spectrum (ANS). Identifiers: Orphanet 70595, MedGen C1843851, MONDO:0011835, OMIM 607459.
Mitochondrial DNA depletion syndrome 4b. Also called: MNGIE, POLG-RELATED; Mitochondrial Neurogastrointestinal Encephalopathy Disease, POLG-Related. Identifiers: Orphanet 298, MedGen C3150914, MONDO:0013350, OMIM 613662.
Progressive external ophthalmoplegia with mitochondrial DNA deletions, autosomal recessive 1 (PEOB1). Also called: Autosomal Recessive Progressive External Ophthalmoplegia (arPEO); Progressive external ophthalmoplegia, autosomal recessive 1. Identifiers: Orphanet 254886, MedGen C4225153, MONDO:0009783, OMIM 258450.
Mitochondrial DNA depletion syndrome 1. Also called: Mitochondrial DNA depletion syndrome 1 (MNGIE type); Mitochondrial DNA Depletion Syndrome, MNGIE Form; MITOCHONDRIAL NEUROGASTROINTESTINAL ENCEPHALOPATHY SYNDROME, TYMP-RELATED; MNGIE, TYMP-RELATED; Mitochondrial neurogastrointestinal encephalomyopathy syndrome; POLIP SYNDROME. Identifiers: Orphanet 298, MedGen C4551995, MONDO:0011283, OMIM 603041.
Progressive sclerosing poliodystrophy (MTDPS4A). Also called: NEURONAL DEGENERATION OF CHILDHOOD WITH LIVER DISEASE, PROGRESSIVE; ALPERS DIFFUSE DEGENERATION OF CEREBRAL GRAY MATTER WITH HEPATIC CIRRHOSIS; Alpers-Huttenlocher Syndrome; ALPERS PROGRESSIVE INFANTILE POLIODYSTROPHY; Alpers-Huttenlocher Syndrome (AHS); Alpers Syndrome. Identifiers: Orphanet 726, MedGen C0205710, MONDO:0008758, OMIM 203700.
Progressive external ophthalmoplegia with mitochondrial DNA deletions, autosomal dominant 1 (PEOA1). Also called: PROGRESSIVE EXTERNAL OPHTHALMOPLEGIA, AUTOSOMAL DOMINANT 1; Autosomal Dominant Progressive External Ophthalmoplegia (adPEO). Identifiers: MedGen C1834846, MONDO:0024528, OMIM 157640.
Spinocerebellar ataxia with epilepsy. Also called: Myoclonic Epilepsy Myopathy Sensory Ataxia (MEMSA). Identifiers: Orphanet 254881, MedGen C1843852, MONDO:0016809.

Allele frequency attached by ClinVar (database versions not stated): TOPMed 0.00004.
gnomAD v4.1: 89 of 1,614,214 alleles (0.0055%); highest among the groups gnomAD compares: Non-Finnish European, 0.0064%; no homozygotes.

Submissions (9):

Labcorp Genetics (formerly Invitae), Labcorp
Classification: Uncertain significance for Progressive sclerosing poliodystrophy. Last evaluated: 2026-01-09. Review status: criteria provided, single submitter. Criteria: Invitae Variant Classification Sherloc (09022015). Collection method: clinical testing. Allele origin: germline.
Comment: This sequence change replaces glutamine, which is neutral and polar, with histidine, which is basic and polar, at codon 497 of the POLG protein (p.Gln497His). This variant is present in population databases (rs121918052, gnomAD 0.03%). This missense change has been observed in individual(s) with POLG-related conditions (PMID: 15824347, 18546365, 18991199, 21357833, 25025039, 25065347, 26942291). ClinVar contains an entry for this variant (Variation ID: 13510). Invitae Evidence Modeling of protein sequence and biophysical properties (such as structural, functional, and spatial information, amino acid conservation, physicochemical variation, residue mobility, and thermodynamic stability) has been performed for this missense variant. However, the output from this modeling did not meet the statistical confidence thresholds required to predict the impact of this variant on POLG protein function. In summary, the available evidence is currently insufficient to determine the role of this variant in disease. Therefore, it has been classified as a Variant of Uncertain Significance.

Women's Health and Genetics/Laboratory Corporation of America, LabCorp
Classification: Uncertain significance. Last evaluated: 2025-12-19. Review status: criteria provided, single submitter. Criteria: LabCorp Variant Classification Summary - May 2015. Collection method: clinical testing. Allele origin: germline.
Comment: Variant summary: POLG c.1491G>C (p.Gln497His) results in a non-conservative amino acid change in the encoded protein sequence. Algorithms developed to predict the effect of missense changes on protein structure and function all suggest that this variant is likely to be disruptive. The variant allele was found at a frequency of 0.00013 in 251486 control chromosomes. This frequency is not significantly higher than estimated for disease-causing variants in POLG, allowing no conclusion about variant significance. c.1491G>C has been reported in the literature in individuals affected with POLG-Related conditions who carried other variants in cis as well as pathogenic variants in trans (Winterthun_2005, Brunetti-Pierri_2008, Hoyer_2014, Beecher_2024). These reports do not provide unequivocal conclusions about association of the variant with Mitochondrial DNA Depletion Syndrome - POLG Related. To our knowledge, no experimental evidence demonstrating an impact on protein function has been reported. The following publications have been ascertained in the context of this evaluation (PMID: 15824347, 33726816, 18546365, 25025039, 32391929, 18991199, 26942291, 21357833, 25065347, 38434220). ClinVar contains an entry for this variant (Variation ID: 13510). Based on the evidence outlined above, the variant was classified as uncertain significance.

GeneDx
Classification: Uncertain significance. Last evaluated: 2025-06-12. Review status: criteria provided, single submitter. Criteria: GeneDx Variant Classification Process June 2021. Collection method: clinical testing. Allele origin: germline. Affected: yes.
Comment: In silico analysis supports that this missense variant does not alter protein structure/function; This variant is associated with the following publications: (PMID: 18991199, 18546365, 25025039, 15824347, 19813183, 17088268, 25065347, 16545482, 21357833, 22729384, 25476511, 33726816, 26942291, 28480171, 32949115, 32183364, 38434220, 16080118, 39754765)

Blueprint Genetics
Classification: Uncertain significance. Last evaluated: 2024-07-10. Review status: criteria provided, single submitter. Criteria: ACMG Guidelines, 2015. Collection method: clinical testing. Allele origin: germline.

Fulgent Genetics
Classification: Uncertain significance for Progressive external ophthalmoplegia with mitochondrial DNA deletions, autosomal dominant 1; Progressive sclerosing poliodystrophy; Progressive external ophthalmoplegia with mitochondrial DNA deletions, autosomal recessive 1; Mitochondrial DNA depletion syndrome 1; Sensory ataxic neuropathy, dysarthria, and ophthalmoparesis; Mitochondrial DNA depletion syndrome 4b. Last evaluated: 2021-10-25. Review status: criteria provided, single submitter. Criteria: ACMG Guidelines, 2015. Collection method: clinical testing. Allele origin: unknown.

AiLife Diagnostics
Classification: Uncertain significance. Last evaluated: 2021-08-05. Review status: criteria provided, single submitter. Criteria: ACMG Guidelines, 2015. Collection method: clinical testing. Allele origin: germline. Affected: yes. Observed: 1 variant allele.

Wong Mito Lab, Molecular and Human Genetics, Baylor College of Medicine
Classification: Uncertain significance for Progressive sclerosing poliodystrophy. Last evaluated: 2018-10-01. Review status: criteria provided, single submitter. Criteria: ACMG Guidelines, 2015. Collection method: clinical testing. Allele origin: germline.
Comment: The NM_002693.2:c.1491G>C (NP_002684.1:p.Gln497His) [GRCH38: NC_000015.10:g.89327006C>G] variant in POLG gene is interpretated to be a Uncertain Significance based on ACMG guidelines (PMID: 25741868). This variant has been reported in PMID:1582434 . This variant meets the following evidence codes reported in the ACMG-guideline. BP2:The variant is observed in trans/cis with a dominant variant. Based on the evidence criteria codes applied, the variant is suggested to be Uncertain Significance.

Mayo Clinic Laboratories, Mayo Clinic
Classification: Uncertain significance. Last evaluated: 2016-03-08. Review status: no assertion criteria provided. Collection method: clinical testing. Allele origin: unknown. Not counted in ClinVar's aggregate classification.

OMIM
Classification: Pathogenic for SPINOCEREBELLAR ATAXIA WITH EPILEPSY. Last evaluated: 2005-04-12. Review status: no assertion criteria provided. Collection method: literature only. Allele origin: germline. Not counted in ClinVar's aggregate classification.

Literature cited by the submitters: PubMed 15824347 (cited by 4 submitters); PubMed 18546365 (cited by Labcorp Genetics (formerly Invitae), Labcorp and Women's Health and Genetics/Laboratory Corporation of America, LabCorp); PubMed 18991199 (cited by 3 submitters); PubMed 21357833 (cited by Labcorp Genetics (formerly Invitae), Labcorp and Women's Health and Genetics/Laboratory Corporation of America, LabCorp); PubMed 25025039 (cited by 3 submitters); PubMed 25065347 (cited by Labcorp Genetics (formerly Invitae), Labcorp and Women's Health and Genetics/Laboratory Corporation of America, LabCorp); PubMed 26942291 (cited by Labcorp Genetics (formerly Invitae), Labcorp and Women's Health and Genetics/Laboratory Corporation of America, LabCorp); PubMed 33726816 (cited by Women's Health and Genetics/Laboratory Corporation of America, LabCorp); PubMed 32391929 (cited by Women's Health and Genetics/Laboratory Corporation of America, LabCorp); PubMed 38434220 (cited by Women's Health and Genetics/Laboratory Corporation of America, LabCorp); PubMed 1582434 (cited by Wong Mito Lab, Molecular and Human Genetics, Baylor College of Medicine).